The following is an entry in ClinVar:

NM_014727.3(KMT2B):c.5657C>T (p.Pro1886Leu)

Gene: KMT2B (lysine methyltransferase 2B; plus strand). Cytogenetic location: 19q13.12.
Variant type: single nucleotide variant.
Coding change: c.5657C>T on transcript NM_014727.3 (MANE Select); coding-DNA position 5657, C replaced by T.
Protein change: p.Pro1886Leu; replaces proline 1886 with leucine.
Molecular consequence: missense variant.
Genome position (GRCh38, 1-based): chr19:35,732,127, C>T. VCF-style: chr19-35732127-C-T. GRCh37 (hg19) VCF-style: chr19-36223028-C-T.
Other names: short protein forms P1886L.
Identifiers: ClinVar variation 2579815 (VCV002579815.1), dbSNP rs2513349630, ClinGen allele CA405422890.

ClinVar aggregate classification (germline): Uncertain significance (1 of 4 stars; one submission).

Submission:

GeneDx
Classification: Uncertain significance. Last evaluated: 2023-03-09. Review status: criteria provided, single submitter. Criteria: GeneDx Variant Classification Process June 2021. Collection method: clinical testing. Allele origin: germline. Affected: yes.
Comment: Not observed at significant frequency in large population cohorts (gnomAD); In silico analysis supports that this missense variant has a deleterious effect on protein structure/function; Has not been previously published as pathogenic or benign to our knowledge